The following is an entry in ClinVar:

NM_000264.5(PTCH1):c.3103G>T (p.Val1035Leu)

Gene: PTCH1 (patched 1; minus strand). Cytogenetic location: 9q22.32.
Variant type: single nucleotide variant.
Coding change: c.3103G>T on transcript NM_000264.5 (MANE Select); coding-DNA position 3103, G replaced by T.
Protein change: p.Val1035Leu; replaces valine 1035 with leucine.
Molecular consequence: missense variant. On other transcripts: non-coding transcript variant (1).
Genome position (GRCh38, 1-based): chr9:95,458,078, C>A on the plus strand (G>T on the coding strand, the complement: PTCH1 is on the minus strand). VCF-style: chr9-95458078-C-A. GRCh37 (hg19) VCF-style: chr9-98220360-C-A.
Other names: c.2905G>T, p.Val969Leu (NM_001083602.3); c.3100G>T, p.Val1034Leu (NM_001083603.3); c.2650G>T, p.Val884Leu (NM_001083604.3, NM_001083605.3, NM_001083606.3 and 1 more transcripts); c.2947G>T, p.Val983Leu (NM_001354918.2); c.3103G>T (NM_000264.3); short protein forms V1034L, V1035L, V884L, V969L, V983L.
Identifiers: ClinVar variation 1015033 (VCV001015033.10), dbSNP rs1839103824, ClinGen allele CA374112386.

ClinVar aggregate classification (germline): Uncertain significance. Review status: criteria provided, multiple submitters, no conflicts (2 of 4 stars). 2 submissions from 2 submitters: Uncertain significance (2). Last evaluated 2026-04-11.

Conditions:
Hereditary cancer-predisposing syndrome. Also called: Hereditary neoplastic syndrome; Neoplastic Syndromes, Hereditary; Tumor predisposition; Hereditary Cancer Syndrome. Identifiers: Orphanet 140162, MedGen C0027672, MeSH D009386, MONDO:0015356.
Gorlin syndrome. Also called: Basal cell nevus syndrome; Nevoid Basal Cell Carcinoma Syndrome. Identifiers: Orphanet 377, MedGen C0004779, MONDO:0007187.

Allele frequency attached by ClinVar (database versions not stated): gnomAD exomes below 0.00001.
gnomAD v4.1: 1 of 1,614,220 alleles (0.000062%); highest among the groups gnomAD compares: Non-Finnish European, 0.000085%; no homozygotes.

Submissions (2):

Ambry Genetics
Classification: Uncertain significance for Hereditary cancer-predisposing syndrome. Last evaluated: 2026-04-11. Review status: criteria provided, single submitter. Criteria: Ambry Variant Classification Scheme 2023. Collection method: clinical testing. Allele origin: germline.
Comment: The p.V1035L variant (also known as c.3103G>T), located in coding exon 18 of the PTCH1 gene, results from a G to T substitution at nucleotide position 3103. The valine at codon 1035 is replaced by leucine, an amino acid with highly similar properties. This amino acid position is conserved. In addition, this alteration is predicted to be deleterious by in silico analysis. Based on the available evidence, the clinical significance of this variant remains unclear.

Labcorp Genetics (formerly Invitae), Labcorp
Classification: Uncertain significance for Gorlin syndrome. Last evaluated: 2020-08-21. Review status: criteria provided, single submitter. Criteria: Invitae Variant Classification Sherloc (09022015). Collection method: clinical testing. Allele origin: germline.
Comment: In summary, the available evidence is currently insufficient to determine the role of this variant in disease. Therefore, it has been classified as a Variant of Uncertain Significance. Advanced modeling of protein sequence and biophysical properties (such as structural, functional, and spatial information, amino acid conservation, physicochemical variation, residue mobility, and thermodynamic stability) performed at Invitae indicates that this missense variant is not expected to disrupt PTCH1 protein function. This variant has not been reported in the literature in individuals with PTCH1-related conditions. This variant is not present in population databases (ExAC no frequency). This sequence change replaces valine with leucine at codon 1035 of the PTCH1 protein (p.Val1035Leu). The valine residue is moderately conserved and there is a small physicochemical difference between valine and leucine.